The following is an entry in ClinVar:

ClinVar aggregate classification (germline): Pathogenic/Likely pathogenic. Review status: criteria provided, multiple submitters, no conflicts (2 of 4 stars). 6 submissions from 6 submitters: Pathogenic (1); Likely pathogenic (4). 1 of the submissions does not count toward it. Last evaluated 2025-06-04.

Conditions:
Cone-rod dystrophy 2 (CORD2). Also called: CONE-ROD RETINAL DYSTROPHY; Cone-rod retinal dystrophy 2. Identifiers: Orphanet 1872, MedGen C3489532, MONDO:0007362, OMIM 120970.
Leber congenital amaurosis 7 (LCA7). Identifiers: Orphanet 65, MedGen C3151192, MONDO:0013449, OMIM 613829.
Retinal dystrophy. Also called: Inherited retinal dystrophy. Identifiers: Orphanet 71862, MedGen C0854723, MeSH D058499, MONDO:0019118, HP:0000556.
Retinitis pigmentosa (RP). Identifiers: Orphanet 791, MedGen C0035334, MeSH D012174, MONDO:0019200, OMIM 268000. Inheritance: Autosomal dominant, autosomal recessive and X linked inheritance.
CRX-related disorders.
Retinal disorder. Also called: Retinopathies; Retinal Diseases; Retinal disorders; Retinopathy. Identifiers: MedGen C0035309, MONDO:0005283, HP:0000488.

Allele frequency attached by ClinVar (database versions not stated): gnomAD exomes below 0.00001; ExAC 0.00001; gnomAD 0.00001; TOPMed 0.00002.

Submissions (6):

Revvity Omics, Revvity
Classification: Likely pathogenic. Last evaluated: 2025-06-04. Review status: criteria provided, single submitter. Criteria: ACMG Guidelines, 2015. Collection method: clinical testing. Allele origin: germline.

Labcorp Genetics (formerly Invitae), Labcorp
Classification: Likely pathogenic for Cone-rod dystrophy 2; Leber congenital amaurosis 7. Last evaluated: 2024-10-21. Review status: criteria provided, single submitter. Criteria: Invitae Variant Classification Sherloc (09022015). Collection method: clinical testing. Allele origin: germline.
Comment: This sequence change replaces arginine, which is basic and polar, with cysteine, which is neutral and slightly polar, at codon 69 of the CRX protein (p.Arg69Cys). This variant is present in population databases (rs771551785, gnomAD 0.004%). This missense change has been observed in individual(s) with retinitis pigmentosa (internal data). ClinVar contains an entry for this variant (Variation ID: 560444). Invitae Evidence Modeling of protein sequence and biophysical properties (such as structural, functional, and spatial information, amino acid conservation, physicochemical variation, residue mobility, and thermodynamic stability) indicates that this missense variant is expected to disrupt CRX protein function with a positive predictive value of 95%. This variant disrupts the p.Arg69 amino acid residue in CRX. Other variant(s) that disrupt this residue have been determined to be pathogenic (PMID: 27624628, 32531858, 33090715; internal data). This suggests that this residue is clinically significant, and that variants that disrupt this residue are likely to be disease-causing. In summary, the currently available evidence indicates that the variant is pathogenic, but additional data are needed to prove that conclusively. Therefore, this variant has been classified as Likely Pathogenic.

Ophthalmic Genetics Group, Institute of Molecular and Clinical Ophthalmology Basel
Classification: Likely pathogenic for Retinal dystrophy. Last evaluated: 2024-05-27. Review status: criteria provided, single submitter. Criteria: ACMG Guidelines, 2015. Collection method: research. Allele origin: germline. Affected: yes. Observed: 1 variant allele.
Comment: This variant was classified as Likely pathogenic based on ACMG criteria: PM1_mod, PM2_mod, PM5_mod, PP3_mod and PP5_sup

AURAGEN, Plan France Médecine Génomique
Classification: Likely pathogenic for Retinal disorder. Last evaluated: 2022-04-08. Review status: criteria provided, single submitter. Criteria: PFMG2025 (Lancet Reg Health Eur. 2025). Collection method: clinical testing. Allele origin: germline. Affected: yes.

Blueprint Genetics
Classification: Pathogenic for CRX-related disorders. Last evaluated: 2019-02-06. Review status: criteria provided, single submitter. Criteria: ACMG Guidelines, 2015. Collection method: clinical testing. Allele origin: germline. Affected: yes. Observed: 1 variant allele.

Joint Genome Diagnostic Labs from Nijmegen and Maastricht, Radboudumc and MUMC+
Classification: Uncertain significance for Retinitis pigmentosa. Last evaluated: 2016-09-01. Review status: no assertion criteria provided. Collection method: clinical testing. Allele origin: unknown. Affected: yes. Observed: 1 variant allele. Not counted in ClinVar's aggregate classification.

Literature cited by the submitters: PubMed 27624628 (cited by Labcorp Genetics (formerly Invitae), Labcorp); PubMed 32531858 (cited by Labcorp Genetics (formerly Invitae), Labcorp); PubMed 33090715 (cited by Labcorp Genetics (formerly Invitae), Labcorp); PubMed 40180963 (cited by Ophthalmic Genetics Group, Institute of Molecular and Clinical Ophthalmology Basel).

NM_000554.6(CRX):c.205C>T (p.Arg69Cys)

Gene: CRX (cone-rod homeobox; plus strand). Cytogenetic location: 19q13.33.
Variant type: single nucleotide variant.
Coding change: c.205C>T on transcript NM_000554.6 (MANE Select); coding-DNA position 205, C replaced by T.
Protein change: p.Arg69Cys; replaces arginine 69 with cysteine.
Molecular consequence: missense variant.
Genome position (GRCh38, 1-based): chr19:47,836,347, C>T. VCF-style: chr19-47836347-C-T. GRCh37 (hg19) VCF-style: chr19-48339604-C-T.
Other names: NP_000545.1:p.(Arg69Cys); short protein forms R69C.
Identifiers: ClinVar variation 560444 (VCV000560444.13), dbSNP rs771551785, ClinGen allele CA9544418.